The following is an entry in ClinVar:

ClinVar aggregate classification (germline): Uncertain significance. Review status: criteria provided, multiple submitters, no conflicts (2 of 4 stars). 5 submissions from 5 submitters: Uncertain significance (5). Last evaluated 2024-05-24.

Conditions:
Senior-Loken syndrome 4 (SLSN4). Identifiers: Orphanet 3156, MedGen C1846979, MONDO:0011756, OMIM 606996.
Nephronophthisis 4 (NPHP4). Also called: NEPHRONOPHTHISIS 4, JUVENILE. Identifiers: Orphanet 655, MedGen C1847013, MONDO:0011752, OMIM 606966.
NPHP4-related disorder. Also called: NPHP4-related condition; NPHP4-related disorders. Identifiers: MedGen CN239384.
Nephronophthisis. Also called: Juvenile Nephronophthisis. Identifiers: Orphanet 655, MedGen C0687120, MONDO:0019005, HP:0000090.

Allele frequency attached by ClinVar (database versions not stated): gnomAD exomes 0.00003; ExAC 0.00004; TOPMed 0.00012; gnomAD 0.00014 and 0.00015.
gnomAD v4.1: 42 of 1,581,654 alleles (0.0027%); highest among the groups gnomAD compares: African/African-American, 0.036%; no homozygotes.

Submissions (5):

Fulgent Genetics
Classification: Uncertain significance for Nephronophthisis 4; Senior-Loken syndrome 4. Last evaluated: 2024-05-24. Review status: criteria provided, single submitter. Criteria: ACMG Guidelines, 2015. Collection method: clinical testing. Allele origin: germline.

Labcorp Genetics (formerly Invitae), Labcorp
Classification: Uncertain significance for Nephronophthisis. Last evaluated: 2022-11-07. Review status: criteria provided, single submitter. Criteria: Invitae Variant Classification Sherloc (09022015). Collection method: clinical testing. Allele origin: germline.
Comment: In summary, the available evidence is currently insufficient to determine the role of this variant in disease. Therefore, it has been classified as a Variant of Uncertain Significance. Algorithms developed to predict the effect of missense changes on protein structure and function (SIFT, PolyPhen-2, Align-GVGD) all suggest that this variant is likely to be tolerated. ClinVar contains an entry for this variant (Variation ID: 499758). This variant has not been reported in the literature in individuals affected with NPHP4-related conditions. The frequency data for this variant in the population databases is considered unreliable, as metrics indicate poor data quality at this position in the gnomAD database. This sequence change replaces arginine, which is basic and polar, with tryptophan, which is neutral and slightly polar, at codon 933 of the NPHP4 protein (p.Arg933Trp).

PreventionGenetics, part of Exact Sciences
Classification: Uncertain significance for NPHP4-related condition. Last evaluated: 2022-08-26. Review status: criteria provided, single submitter. Criteria: ACMG Guidelines, 2015. Collection method: clinical testing. Allele origin: germline.
Comment: The NPHP4 c.2797C>T variant is predicted to result in the amino acid substitution p.Arg933Trp. To our knowledge, this variant has not been reported in the literature. This variant is reported in 0.035% of alleles in individuals of African descent in gnomAD. At this time, the clinical significance of this variant is uncertain due to the absence of conclusive functional and genetic evidence.

Eurofins Ntd Llc (ga)
Classification: Uncertain significance. Last evaluated: 2018-08-15. Review status: criteria provided, single submitter. Criteria: EGL ClinVar v180209 classification definitions. Collection method: clinical testing. Allele origin: germline. Observed: 2 variant alleles, 2 heterozygotes.

Breakthrough Genomics
Classification: Uncertain significance. Review status: criteria provided, single submitter. Criteria: ACMG Guidelines, 2015. Collection method: not provided. Allele origin: germline. Inheritance: Autosomal recessive inheritance. Affected: yes.

NM_015102.5(NPHP4):c.2797C>T (p.Arg933Trp)

Gene: NPHP4 (nephrocystin 4; minus strand). Cytogenetic location: 1p36.31.
Variant type: single nucleotide variant.
Coding change: c.2797C>T on transcript NM_015102.5 (MANE Select); coding-DNA position 2797, C replaced by T.
Protein change: p.Arg933Trp; replaces arginine 933 with tryptophan.
Molecular consequence: missense variant. On other transcripts: non-coding transcript variant (1).
Genome position (GRCh38, 1-based): chr1:5,877,113, G>A on the plus strand (C>T on the coding strand, the complement: NPHP4 is on the minus strand). VCF-style: chr1-5877113-G-A. GRCh37 (hg19) VCF-style: chr1-5937173-G-A.
Other names: c.1258C>T, p.Arg420Trp (NM_001291593.2); c.1261C>T, p.Arg421Trp (NM_001291594.2); short protein forms R933W, R420W, R421W.
Identifiers: ClinVar variation 499758 (VCV000499758.14), dbSNP rs778505641, ClinGen allele CA553934.
Genomic context (GRCh38, chr1:5,877,113, plus strand): 5'-ATGGAGATCCCAGGACAGTGACAGCTGAACAAACCCTTACCAACACGCTCGTCCCGCGCC[G>A]GCCCAAGTCTCCCCCGGCCTCCTGCAGGCGCACAGACCTCATCCGCTCCAGCTTACGCCT-3'
Protein context (NP_055917.1, residues 923-943): RLQEAGGDLG[Arg933Trp]RGTSVLAQQS